The following is an entry in ClinVar:

ClinVar aggregate classification (germline): Uncertain significance (1 of 4 stars; one submission).

Conditions:
Inborn genetic diseases. Identifiers: MedGen C0950123, MeSH D030342.

gnomAD v4.1: 1 of 1,614,088 alleles (0.000062%); highest among the groups gnomAD compares: African/African-American, 0.0013%; no homozygotes.

Submission:

Ambry Genetics
Classification: Uncertain significance for Inborn genetic diseases. Last evaluated: 2024-11-18. Review status: criteria provided, single submitter. Criteria: Ambry Variant Classification Scheme 2023. Collection method: clinical testing. Allele origin: germline.
Comment: The p.A162V variant (also known as c.485C>T), located in coding exon 3 of the ANKRD26 gene, results from a C to T substitution at nucleotide position 485. The alanine at codon 162 is replaced by valine, an amino acid with similar properties. This amino acid position is conserved. In addition, this alteration is predicted to be tolerated by in silico analysis. Based on the available evidence, the clinical significance of this variant remains unclear.

NM_014915.3(ANKRD26):c.485C>T (p.Ala162Val)

Gene: ANKRD26 (ankyrin repeat domain containing 26; minus strand). Cytogenetic location: 10p12.1.
Variant type: single nucleotide variant.
Coding change: c.485C>T on transcript NM_014915.3 (MANE Select); coding-DNA position 485, C replaced by T.
Protein change: p.Ala162Val; replaces alanine 162 with valine.
Molecular consequence: missense variant.
Genome position (GRCh38, 1-based): chr10:27,093,395, G>A on the plus strand (C>T on the coding strand, the complement: ANKRD26 is on the minus strand). VCF-style: chr10-27093395-G-A. GRCh37 (hg19) VCF-style: chr10-27382324-G-A.
Other names: c.485C>T, p.Ala162Val (NM_001256053.2); short protein forms A162V.
Identifiers: ClinVar variation 3396533 (VCV003396533.1).